The following is an entry in ClinVar:

ClinVar aggregate classification (germline): Pathogenic (1 of 4 stars; one submission).

Conditions:
Paediatric disorders.

Submission:

North West Genomic Laboratory Hub, Manchester University NHS Foundation Trust
Classification: Pathogenic for Paediatric disorders. Last evaluated: 2024-05-24. Review status: criteria provided, single submitter. Criteria: ACGS Best Practice Guidelines for Variant Classification in Rare Disease 2020. Collection method: clinical testing. Allele origin: germline. Affected: yes.
Comment: PM2_Mod PVS1_VStr

NM_001555.5(IGSF1):c.2333dup (p.Pro779fs)

Gene: IGSF1 (immunoglobulin superfamily member 1; minus strand). Cytogenetic location: Xq26.1.
Variant type: Duplication.
Coding change: c.2333dup on transcript NM_001555.5 (MANE Select); coding-DNA position 2333, one base duplicated (A; older notation c.2333dupA).
Protein change: p.Pro779fs; shifts the reading frame from proline 779.
Molecular consequence: frameshift variant.
Genome position (GRCh38, 1-based): chrX:131,277,214, T duplicated on the plus strand (A on the coding strand, the reverse complement: IGSF1 is on the minus strand); the first of 2 consecutive T bases (chrX:131,277,214-131,277,215); duplicating either gives the same sequence. VCF-style (leftmost placement, unchanged base first): chrX-131277213-C-CT. GRCh37 (hg19) VCF-style: chrX-130411187-C-CT.
Other names: c.2348dup, p.Pro784fs (NM_001170961.2, NM_001438811.1, NM_001438814.1); c.2306dup, p.Pro770fs (NM_001170962.2); c.2333dup, p.Pro779fs (NM_001438812.1, NM_001438813.1, NM_001438815.1); short protein forms P770fs, P779fs, P784fs.
Identifiers: ClinVar variation 4849597 (VCV004849597.1).